The following is an entry in ClinVar:

NM_024642.5(GALNT12):c.1571C>T (p.Thr524Ile)

Gene: GALNT12 (polypeptide N-acetylgalactosaminyltransferase 12; plus strand). Cytogenetic location: 9q22.33.
Variant type: single nucleotide variant.
Coding change: c.1571C>T on transcript NM_024642.5 (MANE Select); coding-DNA position 1571, C replaced by T.
Protein change: p.Thr524Ile; replaces threonine 524 with isoleucine.
Molecular consequence: missense variant.
Genome position (GRCh38, 1-based): chr9:98,846,089, C>T. VCF-style: chr9-98846089-C-T. GRCh37 (hg19) VCF-style: chr9-101608371-C-T.
Other names: short protein forms T524I.
Identifiers: ClinVar variation 945004 (VCV000945004.9), dbSNP rs1836407900, ClinGen allele CA374221838.

ClinVar aggregate classification (germline): Uncertain significance (1 of 4 stars; one submission).

Submission:

Labcorp Genetics (formerly Invitae), Labcorp
Classification: Uncertain significance. Last evaluated: 2019-07-18. Review status: criteria provided, single submitter. Criteria: Invitae Variant Classification Sherloc (09022015). Collection method: clinical testing. Allele origin: germline.
Comment: This sequence change replaces threonine with isoleucine at codon 524 of the GALNT12 protein (p.Thr524Ile). The threonine residue is weakly conserved and there is a moderate physicochemical difference between threonine and isoleucine. This variant is not present in population databases (ExAC no frequency). This variant has not been reported in the literature in individuals with GALNT12-related conditions. Algorithms developed to predict the effect of missense changes on protein structure and function (SIFT, PolyPhen-2, Align-GVGD) all suggest that this variant is likely to be tolerated, but these predictions have not been confirmed by published functional studies and their clinical significance is uncertain. In summary, the available evidence is currently insufficient to determine the role of this variant in disease. Therefore, it has been classified as a Variant of Uncertain Significance.